The following is an entry in ClinVar:

ClinVar aggregate classification (germline): Likely benign (1 of 4 stars; one submission).

gnomAD v4.1: 7 of 1,614,018 alleles (0.00043%); no homozygotes.

Submission:

CeGaT Center for Human Genetics Tuebingen
Classification: Likely benign. Last evaluated: 2026-05-01. Review status: criteria provided, single submitter. Criteria: CeGaT Center For Human Genetics Tuebingen Variant Classification Criteria Version 2. Collection method: clinical testing. Allele origin: germline. Affected: yes. Observed: 1 variant allele.
Comment: RHOBTB2: BP4, BP7

NM_015178.3(RHOBTB2):c.1710T>C (p.Asp570=)

Gene: RHOBTB2 (Rho related BTB domain containing 2; plus strand). Cytogenetic location: 8p21.3.
Variant type: single nucleotide variant.
Coding change: c.1710T>C on transcript NM_015178.3 (MANE Select); coding-DNA position 1710, T replaced by C.
Protein change: p.Asp570=; no amino-acid change (aspartic acid 570 retained).
Molecular consequence: synonymous variant.
Genome position (GRCh38, 1-based): chr8:23,010,627, T>C. VCF-style: chr8-23010627-T-C. GRCh37 (hg19) VCF-style: chr8-22868140-T-C.
Other names: c.1776T>C, p.Asp592= (NM_001160036.2); c.1731T>C, p.Asp577= (NM_001160037.2); c.1710T>C, p.Asp570= (NM_001374791.1).
Identifiers: ClinVar variation 4873505 (VCV004873505.2).
Genomic context (GRCh38, chr8:23,010,627, plus strand): 5'-CATGCGGGCCGTGCTGGAATACCTCTACACCGGCATGTTCACCTCCAGCCCCGACCTGGA[T>C]GACATGAAGCTCATCATTCTAGCCAACCGCCTCTGCCTGCCACACCTGGTTGCCCTCACA-3'
Protein context (NP_055993.2, residues 560-580): TGMFTSSPDL[Asp570=]DMKLIILANR